The following is an entry in ClinVar:

NM_003200.5(TCF3):c.1606G>A (p.Asp536Asn)

Gene: TCF3 (transcription factor 3; minus strand). Cytogenetic location: 19p13.3.
Variant type: single nucleotide variant.
Coding change: c.1606G>A on transcript NM_003200.5 (MANE Select); coding-DNA position 1606, G replaced by A.
Protein change: p.Asp536Asn; replaces aspartic acid 536 with asparagine.
Molecular consequence: missense variant. On other transcripts: intron variant (2).
Genome position (GRCh38, 1-based): chr19:1,615,501, C>T on the plus strand (G>A on the coding strand, the complement: TCF3 is on the minus strand). VCF-style: chr19-1615501-C-T. GRCh37 (hg19) VCF-style: chr19-1615500-C-T.
Other names: c.1603G>A, p.Asp535Asn (NM_001351778.2); c.1586+185G>A (NM_001136139.4, NM_001351779.2); short protein forms D535N, D536N.
Identifiers: ClinVar variation 2176451 (VCV002176451.4), dbSNP rs765725759, ClinGen allele CA9049683.

ClinVar aggregate classification (germline): Uncertain significance (1 of 4 stars; one submission).

Allele frequency attached by ClinVar (database versions not stated): TOPMed below 0.00001; ExAC 0.00001; gnomAD 0.00001.
gnomAD v4.1: 13 of 1,608,522 alleles (0.00081%); highest among the groups gnomAD compares: East Asian, 0.0022%; no homozygotes.

Submission:

Labcorp Genetics (formerly Invitae), Labcorp
Classification: Uncertain significance. Last evaluated: 2026-01-19. Review status: criteria provided, single submitter. Criteria: Invitae Variant Classification Sherloc (09022015). Collection method: clinical testing. Allele origin: germline.
Comment: This sequence change replaces aspartic acid, which is acidic and polar, with asparagine, which is neutral and polar, at codon 536 of the TCF3 protein (p.Asp536Asn). The frequency data for this variant in the population databases is considered unreliable, as metrics indicate poor data quality at this position in the gnomAD database. This variant has not been reported in the literature in individuals affected with TCF3-related conditions. ClinVar contains an entry for this variant (Variation ID: 2176451). Experimental studies and prediction algorithms are not available or were not evaluated, and the functional significance of this variant is currently unknown. In summary, the available evidence is currently insufficient to determine the role of this variant in disease. Therefore, it has been classified as a Variant of Uncertain Significance.